The following is an entry in ClinVar:

NM_014336.5(AIPL1):c.867dup (p.Val290fs)

Gene: AIPL1 (AIP like 1 HSP90 co-chaperone; minus strand). Cytogenetic location: 17p13.2.
Variant type: Duplication.
Coding change: c.867dup on transcript NM_014336.5 (MANE Select); coding-DNA position 867, one base duplicated (A; older notation c.867dupA).
Protein change: p.Val290fs; shifts the reading frame from valine 290.
Molecular consequence: frameshift variant. On other transcripts: 3 prime UTR variant (1).
Genome position (GRCh38, 1-based): chr17:6,425,748, T duplicated on the plus strand (A on the coding strand, the reverse complement: AIPL1 is on the minus strand); the first of 3 consecutive T bases (chr17:6,425,748-6,425,750); duplicating any one gives the same sequence. VCF-style (leftmost placement, unchanged base first): chr17-6425747-C-CT. GRCh37 (hg19) VCF-style: chr17-6329067-C-CT.
Other names: c.678dup, p.Val227fs (NM_001033054.3); c.687dup, p.Val230fs (NM_001033055.3); c.831dup, p.Val278fs (NM_001285399.3); c.801dup, p.Val268fs (NM_001285400.3); c.795dup, p.Val266fs (NM_001285401.3); c.750dup, p.Val251fs (NM_001285402.2); c.*838dup (NM_001285403.4); short protein forms V227fs, V251fs, V268fs, V290fs, V266fs, V278fs, V230fs.
Identifiers: ClinVar variation 2769284 (VCV002769284.3), dbSNP rs2543877681, ClinGen allele CA2697556145.
Genomic context (GRCh38, chr17:6,425,747, plus strand): 5'-TCTCCAGCAGCCTCAGCTCCCTGCGCACCGCCTTCTGCATGGACGGCTCCAGCTCCAGCA[C>CT]TTTCTGGAGGTCCGCCTTGGCCTCGGCCTCATTCCACACCTCTGCGTGAGCCCGGGCACG-3'

ClinVar aggregate classification (germline): Pathogenic (1 of 4 stars; one submission).

Conditions:
Leber congenital amaurosis 4 (LCA4). Identifiers: MedGen C1858386, MONDO:0011458, OMIM 604393.

Submission:

Labcorp Genetics (formerly Invitae), Labcorp
Classification: Pathogenic for Leber congenital amaurosis 4. Last evaluated: 2023-10-17. Review status: criteria provided, single submitter. Criteria: Invitae Variant Classification Sherloc (09022015). Collection method: clinical testing. Allele origin: germline.
Comment: This sequence change results in a frameshift in the AIPL1 gene (p.Val290Serfs*118). While this is not anticipated to result in nonsense mediated decay, it is expected to disrupt the last 95 amino acid(s) of the AIPL1 protein and extend the protein by 22 additional amino acid residues. This variant is not present in population databases (gnomAD no frequency). This variant has not been reported in the literature in individuals affected with AIPL1-related conditions. This variant results in an extension of the AIPL1 protein. Other variant(s) that result in a similarly extended protein product (p.Glu337Alafs*70) have been determined to be pathogenic (PMID: 10615133; Invitae). This suggests that these extensions are likely to be disease-causing. For these reasons, this variant has been classified as Pathogenic.

Literature cited by the submitters: PubMed 10615133.